The following is an entry in ClinVar:

NM_000440.3(PDE6A):c.1283G>A (p.Gly428Asp)

Gene: PDE6A (phosphodiesterase 6A; minus strand). Cytogenetic location: 5q32.
Variant type: single nucleotide variant.
Coding change: c.1283G>A on transcript NM_000440.3 (MANE Select); coding-DNA position 1283, G replaced by A.
Protein change: p.Gly428Asp; replaces glycine 428 with aspartic acid.
Molecular consequence: missense variant.
Genome position (GRCh38, 1-based): chr5:149,898,487, C>T on the plus strand (G>A on the coding strand, the complement: PDE6A is on the minus strand). VCF-style: chr5-149898487-C-T. GRCh37 (hg19) VCF-style: chr5-149278050-C-T.
Other names: c.1040G>A, p.Gly347Asp (NM_001410788.1); short protein forms G347D, G428D.
Identifiers: ClinVar variation 3775697 (VCV003775697.2).
Genomic context (GRCh38, chr5:149,898,487, plus strand): 5'-TCCTTCCTATTTTCAAGTTTATTCATTGACTCATAGGTGTCAGGATTTAAGACAGACCAG[C>T]CCAGAAATTGAGTCAAAGACTGAAAAAGAAAGAAAGGAGGAATCAGAGACAGAACACCTA-3'
Protein context (NP_000431.2, residues 418-438): TLMESLTQFL[Gly428Asp]WSVLNPDTYE

ClinVar aggregate classification (germline): Uncertain significance. Review status: criteria provided, multiple submitters, no conflicts (2 of 4 stars). 2 submissions from 2 submitters: Uncertain significance (2). Last evaluated 2023-10-17.

Conditions:
Retinitis pigmentosa 43 (RP43). Identifiers: Orphanet 791, MedGen C3151139, MONDO:0013437, OMIM 613810.

gnomAD v4.1: 2 of 1,613,524 alleles (0.00012%); highest among the groups gnomAD compares: East Asian, 0.0045%; no homozygotes.

Submissions (2):

3billion
Classification: Uncertain significance for Retinitis pigmentosa 43. Last evaluated: 2023-10-17. Review status: criteria provided, single submitter. Criteria: ACMG Guidelines, 2015. Collection method: clinical testing. Allele origin: germline. Affected: yes.
Comment: The variant is observed at an extremely low frequency in the gnomAD v2.1.1 dataset (total allele frequency: 0.001%). Predicted Consequence/Location: The majority of the known disease-causing variants of this gene are variants expected to result in premature termination of the protein. Premature termination of the protein is a common disease-causing mechanism for this gene. In silico tool predictions suggest damaging effect of the variant on gene or gene product [REVEL: 0.81 (>=0.6, sensitivity 0.68 and specificity 0.92); 3Cnet: 0.78 (>=0.6, sensitivity 0.72 and precision 0.9)]. Same nucleotide change resulting in same amino acid change has been previously reported to be associated with PDE6A-related disorder (PMID: 31144483). However, the evidence of pathogenicity is insufficient at this time. Therefore, this variant is classified as VUS according to the recommendation of ACMG/AMP guideline.

Blueprint Genetics
Classification: Uncertain significance. Last evaluated: 2018-08-21. Review status: criteria provided, single submitter. Criteria: ACMG Guidelines, 2015. Collection method: clinical testing. Allele origin: germline.

Literature cited by the submitters: PubMed 31144483 (cited by 3billion).